The following is an entry in ClinVar:

NM_007294.4(BRCA1):c.5406+14G>A

Gene: BRCA1 (BRCA1 DNA repair associated; minus strand). Cytogenetic location: 17q21.31.
Variant type: single nucleotide variant.
Coding change: c.5406+14G>A on transcript NM_007294.4 (MANE Select); 14 bases into the intron after coding-DNA position 5406, G replaced by A.
Molecular consequence: intron variant.
Genome position (GRCh38, 1-based): chr17:43,049,107, C>T on the plus strand (G>A on the coding strand, the complement: BRCA1 is on the minus strand). VCF-style: chr17-43049107-C-T. GRCh37 (hg19) VCF-style: chr17-41201124-C-T.
Other names: c.1953+14G>A (NM_001408458.1, NM_001408461.1, NM_001408464.1 and 7 more transcripts); c.4515+14G>A (NM_001407967.1); c.5025+14G>A (NM_001407959.1); c.5139+14G>A (NM_001407931.1, NM_001407932.1, NM_001407928.1 and 4 more transcripts); c.5262+14G>A (NM_001407747.1, NM_001407745.1, NM_001407737.1 and 18 more transcripts); c.5022+14G>A (NM_001407962.1, NM_001407960.1); c.1593+14G>A (NM_001408512.1); c.1716+14G>A (NM_001408510.1); and 84 more.
Identifiers: ClinVar variation 868445 (VCV000868445.12), dbSNP rs1208169773, ClinGen allele CA772166408.

ClinVar aggregate classification (germline): Likely benign (1 of 4 stars; one submission).

Conditions:
Hereditary breast ovarian cancer syndrome. Also called: Hereditary breast and ovarian cancer; Hereditary breast and ovarian cancer syndrome (HBOC); Breast and ovarian cancer; Hereditary breast and/or ovarian cancer syndrome; BRCA1- and BRCA2-Associated Hereditary Breast and Ovarian Cancer; Hereditary breast and ovarian cancer syndrome. Identifiers: Orphanet 145, MedGen C0677776, MeSH D061325, MONDO:0003582. Disease mechanism: loss of function.

Allele frequency attached by ClinVar (database versions not stated): gnomAD exomes below 0.00001; TOPMed 0.00001.
gnomAD v4.1: 1 of 1,612,166 alleles (0.000062%); highest among the groups gnomAD compares: Non-Finnish European, 0.000085%; no homozygotes.

Submissions (2):

Labcorp Genetics (formerly Invitae), Labcorp
Classification: Likely benign for Hereditary breast ovarian cancer syndrome. Last evaluated: 2025-05-09. Review status: criteria provided, single submitter. Criteria: Invitae Variant Classification Sherloc (09022015). Collection method: clinical testing. Allele origin: germline.

Brotman Baty Institute, University of Washington
No classification provided (evidence only). Condition: Breast-ovarian cancer, familial 1. Review status: no classification provided. Collection method: in vitro. Allele origin: not applicable. Functional consequence: functionally_normal. Not counted in ClinVar's aggregate classification.
ClinVar note: "not provided" was previously submitted as the classification for the variant. However, the classification appeared to be based only on an observation of functional data so it was converted to no classification on 2025-07-30.